The following is an entry in ClinVar:

NM_001197104.2(KMT2A):c.6505+3A>G

Gene: KMT2A (lysine methyltransferase 2A; plus strand). Cytogenetic location: 11q23.3.
Variant type: single nucleotide variant.
Coding change: c.6505+3A>G on transcript NM_001197104.2 (MANE Select); 3 bases into the intron after coding-DNA position 6505, A replaced by G.
Molecular consequence: intron variant.
Genome position (GRCh38, 1-based): chr11:118,501,860, A>G. VCF-style: chr11-118501860-A-G. GRCh37 (hg19) VCF-style: chr11-118372575-A-G.
Other names: c.6595+3A>G (NM_001412597.1); c.6496+3A>G (NM_005933.4).
Identifiers: ClinVar variation 3698495 (VCV003698495.2).

ClinVar aggregate classification (germline): Uncertain significance (1 of 4 stars; one submission).

gnomAD v4.1: 1 of 1,609,368 alleles (0.000062%); highest among the groups gnomAD compares: Non-Finnish European, 0.000085%; no homozygotes.

Submission:

Labcorp Genetics (formerly Invitae), Labcorp
Classification: Uncertain significance. Last evaluated: 2024-11-28. Review status: criteria provided, single submitter. Criteria: Invitae Variant Classification Sherloc (09022015). Collection method: clinical testing. Allele origin: germline.
Comment: This sequence change falls in intron 26 of the KMT2A gene. It does not directly change the encoded amino acid sequence of the KMT2A protein. It affects a nucleotide within the consensus splice site. This variant is not present in population databases (gnomAD no frequency). This variant has not been reported in the literature in individuals affected with KMT2A-related conditions. Variants that disrupt the consensus splice site are a relatively common cause of aberrant splicing (PMID: 17576681, 9536098). Algorithms developed to predict the effect of sequence changes on RNA splicing suggest that this variant may disrupt the consensus splice site. In summary, the available evidence is currently insufficient to determine the role of this variant in disease. Therefore, it has been classified as a Variant of Uncertain Significance.

Literature cited by the submitters: PubMed 17576681; PubMed 9536098.